The following is an entry in ClinVar:

ClinVar aggregate classification (germline): Uncertain significance (1 of 4 stars; one submission).

Conditions:
Danon disease. Also called: ANTOPOL DISEASE; PSEUDOGLYCOGENOSIS II; GSD IIb; LYSOSOMAL GLYCOGEN STORAGE DISEASE WITHOUT ACID MALTASE DEFICIENCY; Glycogen Storage Disease Type IIb. Identifiers: Orphanet 34587, MedGen C0878677, MONDO:0010281, OMIM 300257.

Submission:

Labcorp Genetics (formerly Invitae), Labcorp
Classification: Uncertain significance for Danon disease. Last evaluated: 2021-08-24. Review status: criteria provided, single submitter. Criteria: Invitae Variant Classification Sherloc (09022015). Collection method: clinical testing. Allele origin: germline.
Comment: This sequence change replaces threonine with alanine at codon 56 of the LAMP2 protein (p.Thr56Ala). The threonine residue is moderately conserved and there is a small physicochemical difference between threonine and alanine. This variant is not present in population databases (ExAC no frequency). This variant has not been reported in the literature in individuals affected with LAMP2-related conditions. Algorithms developed to predict the effect of missense changes on protein structure and function (SIFT, PolyPhen-2, Align-GVGD) all suggest that this variant is likely to be tolerated. In summary, the available evidence is currently insufficient to determine the role of this variant in disease. Therefore, it has been classified as a Variant of Uncertain Significance.

NM_002294.3(LAMP2):c.166A>G (p.Thr56Ala)

Gene: LAMP2 (lysosome associated membrane protein 2; minus strand). Cytogenetic location: Xq24.
Variant type: single nucleotide variant.
Coding change: c.166A>G on transcript NM_002294.3 (MANE Select); coding-DNA position 166, A replaced by G.
Protein change: p.Thr56Ala; replaces threonine 56 with alanine.
Molecular consequence: missense variant.
Genome position (GRCh38, 1-based): chrX:120,456,668, T>C on the plus strand (A>G on the coding strand, the complement: LAMP2 is on the minus strand). VCF-style: chrX-120456668-T-C. GRCh37 (hg19) VCF-style: chrX-119590523-T-C.
Other names: c.166A>G, p.Thr56Ala (NM_001122606.1, NM_013995.2); short protein forms T56A.
Identifiers: ClinVar variation 1377370 (VCV001377370.6), dbSNP rs2147287602, ClinGen allele CA414403588.